The following is an entry in ClinVar:

NC_000008.11:g.(?_144475137)_(144475776_?)dup

Gene: FOXH1 (forkhead box H1; minus strand). Cytogenetic location: 8q24.3.
Variant type: Duplication.
Identifiers: ClinVar variation 831859 (VCV000831859.9).

ClinVar aggregate classification (germline): Uncertain significance (1 of 4 stars; one submission).

Conditions:
Holoprosencephaly sequence (HPE). Also called: Holoprosencephaly. Identifiers: Orphanet 2162, MedGen C0079541, MONDO:0016296, HP:0001360.

Submission:

Labcorp Genetics (formerly Invitae), Labcorp
Classification: Uncertain significance for Holoprosencephaly sequence. Last evaluated: 2019-04-24. Review status: criteria provided, single submitter. Criteria: Invitae Variant Classification Sherloc (09022015). Collection method: clinical testing. Allele origin: germline.
Comment: In summary, the available evidence is currently insufficient to determine the role of this variant in disease. Therefore, it has been classified as a Variant of Uncertain Significance. This variant has not been reported in the literature in individuals with FOXH1-related conditions. This sequence change is a complex rearrangement involving duplication and inversion of exons 1-2 and part of exon 3 of the FOXH1 gene. The exact genomic location of this event is unknown, and its effect on the FOXH1 protein product is uncertain.